The following continues an entry in ClinVar:

NM_007194.4(CHEK2):c.1036C>T (p.Arg346Cys)

Gene: CHEK2. ClinVar aggregate classification (germline): Conflicting classifications of pathogenicity. Likely pathogenic (6); Uncertain significance (20).

Submissions 8 to 21 of 30:

Ambry Genetics
Classification: Uncertain significance for Hereditary cancer-predisposing syndrome. Last evaluated: 2025-03-20. Review status: criteria provided, single submitter. Criteria: Ambry Variant Classification Scheme 2023. Collection method: clinical testing. Allele origin: germline.
Comment: The p.R346C variant (also known as c.1036C>T), located in coding exon 9 of the CHEK2 gene, results from a C to T substitution at nucleotide position 1036. The arginine at codon 346 is replaced by cysteine, an amino acid with highly dissimilar properties. In a study involving 42671 cases and 42164 controls, this variant was significantly associated with breast cancer [OR 5.06 (95% CI 1.09 to 23.5); p=0.017] (Southey MC et al. J. Med. Genet. 2016 Dec;53:800-811). In another study, this variant did not segregate with cancer in one family, but did show loss of heterozygosity in a tumor specimen (Grasel RS et al. Front Oncol, 2020 Oct;10:571330). This alteration has been identified in individuals diagnosed with breast cancer, ovarian cancer and mesothelioma (Le Calvez-Kelm F et al. Breast Cancer Res. 2011 Jan;13:R6; Zheng Y et al. J Clin Oncol, 2018 Oct;36:2820-2825; Girard E et al. Int. J. Cancer, 2019 04;144:1962-1974; Hassan R et al. Proc Natl Acad Sci U S A, 2019 04;116:9008-9013; Krivokuca A et al. J. Hum. Genet., 2019 Apr;64:281-290; Apostolou P et al. Cancers (Basel), 2021 Apr;13:; Gomes R et al. Breast Cancer Res Treat, 2021 Feb;185:851-861). Protein functional studies has demonstrated this variant to be deleterious (Delimitsou A et al. Hum. Mutat., 2019 05;40:631-648; Stolarova L et al. Clin Cancer Res 2023 Aug;29(16):3037-3050). This amino acid position is highly conserved in available vertebrate species. In addition, this alteration is predicted to be deleterious by in silico analysis. Based on the available evidence, the clinical significance of this alteration remains unclear.

Center for Genomic Medicine, Rigshospitalet, Copenhagen University Hospital
Classification: Uncertain significance. Last evaluated: 2025-03-04. Review status: criteria provided, single submitter. Criteria: ACMG Guidelines, 2015. Collection method: clinical testing. Allele origin: germline.

CeGaT Center for Human Genetics Tuebingen
Classification: Uncertain significance. Last evaluated: 2025-03-01. Review status: criteria provided, single submitter. Criteria: CeGaT Center For Human Genetics Tuebingen Variant Classification Criteria Version 2. Collection method: clinical testing. Allele origin: germline. Affected: yes. Observed: 1 variant allele.
Comment: CHEK2: PS4:Moderate, PM2:Supporting, PS3:Supporting

Institute of Medical Genetics and Applied Genomics, University Hospital Tübingen
Classification: Likely pathogenic for Familial cancer of breast. Last evaluated: 2025-02-12. Review status: criteria provided, single submitter. Criteria: ACMG Guidelines, 2015. Collection method: clinical testing. Allele origin: germline. Inheritance: Autosomal dominant inheritance. Affected: yes.

German Consortium for Hereditary Breast and Ovarian Cancer, University Hospital Cologne
Classification: Likely pathogenic for Hereditary breast ovarian cancer syndrome. Last evaluated: 2025-02-11. Review status: criteria provided, single submitter. Criteria: ACMG Guidelines, 2015. Collection method: curation. Allele origin: germline.
Comment: According to the ACMG SVI adaptation criteria we chose these criteria: PS3 (strong pathogenic): Delimitsou, 2019 (PMID: 30851065): Damaging, Stolarova, 2023 (PMID: 37449874): functionally impaired, PS4 (medium pathogenic): OR 5.06 (95% CI 1.09 to 23.5); p=0.017] (Southey MC et al. J. Med. Genet. 2016 Dec;53:800-811), PP3 (supporting pathogenic): REVEL 0,78

Labcorp Genetics (formerly Invitae), Labcorp
Classification: Uncertain significance for Familial cancer of breast. Last evaluated: 2025-01-22. Review status: criteria provided, single submitter. Criteria: Invitae Variant Classification Sherloc (09022015). Collection method: clinical testing. Allele origin: germline.
Comment: This sequence change replaces arginine, which is basic and polar, with cysteine, which is neutral and slightly polar, at codon 346 of the CHEK2 protein (p.Arg346Cys). This variant is present in population databases (rs201206424, gnomAD 0.009%). This missense change has been observed in individual(s) with breast cancer (PMID: 21244692, 27595995, 30651582, 30851065, 33128190). ClinVar contains an entry for this variant (Variation ID: 142222). An algorithm developed to predict the effect of missense changes on protein structure and function (PolyPhen-2) suggests that this variant is likely to be disruptive. Experimental studies are conflicting or provide insufficient evidence to determine the effect of this variant on CHEK2 function (PMID: 30851065, 36468172). RNA analysis performed to evaluate the impact of this missense change on mRNA splicing indicates it does not significantly alter splicing (internal data). In summary, the available evidence is currently insufficient to determine the role of this variant in disease. Therefore, it has been classified as a Variant of Uncertain Significance.

GeneDx
Classification: Uncertain significance. Last evaluated: 2025-01-16. Review status: criteria provided, single submitter. Criteria: GeneDx Variant Classification Process June 2021. Collection method: clinical testing. Allele origin: germline. Affected: yes.
Comment: Not observed at significant frequency in large population cohorts (gnomAD); In silico analysis supports that this missense variant has a deleterious effect on protein structure/function; Case control studies suggest this variant may be associated with breast cancer (PMID: 21244692, 27595995); Observed in individuals with breast or ovarian cancer (PMID: 30130155, 30303537, 30651582, 33925588, 34326862, 34204722, 33128190, 35264596); This variant is associated with the following publications: (PMID: 21244692, 26787654, 22114986, 28452373, 30287823, 31050813, 28580595, 30651582, 30303537, 33128190, 34204722, 33925588, 33134171, 33471991, 30975761, 36315097, 34326862, 30130155, 36978154, 36243179, 35264596, 27595995, 35441217, 35534704, 35493704, 35980532, 37449874, 22419737, 19782031, 36468172, 39146382, 30851065)

Quest Diagnostics Nichols Institute San Juan Capistrano
Classification: Uncertain significance. Last evaluated: 2025-01-10. Review status: criteria provided, single submitter. Criteria: Quest Diagnostics criteria. Collection method: clinical testing. Allele origin: unknown.
Comment: The CHEK2 c.1036C>T (p.Arg346Cys) variant has been reported in the published literature in individuals with breast cancer (PMIDs: 21244692 (2011), 30303537 (2019), 33128190 (2021), 33925588 (2021), 34204722 (2021)), as well as ovarian cancer (PMID: 30651582 (2019) pancreatic cancer (PMID: 39256447 (2024) renal cell carcinoma (PMID: 35441217 (2022), and unspecified pediatric cancer (PMID: 36468172 (2023). Functional studies characterizing this variant in multiple cell lines yielded conflicting results that variously supported pathogenicity or neutrality (PMIDs: 30851065 (2019), 36468172 (2023), 37449874 (2023)). The frequency of this variant in the general population (Genome Aggregation Database) is uninformative in the assessment of its pathogenicity. Analysis of this variant using bioinformatics tools for the prediction of the effect of amino acid changes on protein structure and function yielded predictions that this variant is damaging. Based on the available information, we are unable to determine the clinical significance of this variant.

Myriad Genetics, Inc.
Classification: Likely pathogenic for Familial cancer of breast. Last evaluated: 2024-10-25. Review status: criteria provided, single submitter. Criteria: Myriad Autosomal Dominant, Autosomal Recessive and X-Linked Classification Criteria (2023). Collection method: clinical testing. Allele origin: unknown.
Comment: This variant is considered likely pathogenic. Functional studies indicate this variant impacts protein function [PMID: 37449874]. This variant is strongly associated with more severe personal and family histories of cancer, typical for individuals with pathogenic variants in this gene [PMID: 25085752].

Blueprint Genetics
Classification: Uncertain significance. Last evaluated: 2024-10-07. Review status: criteria provided, single submitter. Criteria: ACMG Guidelines, 2015. Collection method: clinical testing. Allele origin: germline.

Molecular Pathology, Peter Maccallum Cancer Centre
Classification: Uncertain significance for Familial cancer of breast. Last evaluated: 2024-06-20. Review status: criteria provided, single submitter. Criteria: ACMG Guidelines, 2015. Collection method: clinical testing. Allele origin: germline. Inheritance: Autosomal dominant inheritance.

Women's Health and Genetics/Laboratory Corporation of America, LabCorp
Classification: Uncertain significance. Last evaluated: 2024-04-26. Review status: criteria provided, single submitter. Criteria: LabCorp Variant Classification Summary - May 2015. Collection method: clinical testing. Allele origin: germline.
Comment: Variant summary: CHEK2 c.1036C>T (p.Arg346Cys) results in a non-conservative amino acid change located in the Protein kinase domain (IPR000719) of the encoded protein sequence. Four of five in-silico tools predict a damaging effect of the variant on protein function. The variant allele was found at a frequency of 5.2e-05 in 251222 control chromosomes. This frequency is not significantly higher than estimated for a pathogenic variant in CHEK2 causing Prostate Cancer (5.2e-05 vs 0.00025), allowing no conclusion about variant significance. c.1036C>T has been reported in the literature in individuals affected with various types of Cancer, including Breast cancer, Biliary tract cancer, Langer Hans Cell Histiocytosis and B-cell acute lymphoblastic leukemia (example, Guindalini_2022, Bhai_2021, Wagener_2022, Pereira_2022), and was also reported in the control cohorts from at-least two large case-control studies of cancer risk (example, Dorling_2021, Okawa_2023). These report(s) do not provide unequivocal conclusions about association of the variant with Prostate Cancer and other CHEK2-related conditions. At least two publications report experimental evidence evaluating an impact on protein function. In a yeast growing assay, this variant significantly inhibit the normal growth of yeast (Delimitsou_2019), however in a subsequent study using an osteosarcoma cell line, this variant did not affect CHK2 function, as it resulted in comparable/slightly increased CHEK2 levels and was able to induce Phosphorylation of CHK2-Thr68 (Wagener_2022). The following publications have been ascertained in the context of this evaluation (PMID: 34326862, 30851065, 33471991, 35264596, 36243179, 35980532, 36468172). ClinVar contains an entry for this variant (Variation ID: 142222). Based on the evidence outlined above, the variant was classified as uncertain significance.

Baylor Genetics
Classification: Uncertain significance for Familial cancer of breast. Last evaluated: 2023-10-30. Review status: criteria provided, single submitter. Criteria: ACMG Guidelines, 2015. Collection method: clinical testing. Allele origin: unknown.

Revvity Omics, Revvity
Classification: Uncertain significance. Last evaluated: 2023-05-19. Review status: criteria provided, single submitter. Criteria: ACMG Guidelines, 2015. Collection method: clinical testing. Allele origin: germline.